The following is an entry in ClinVar:

NM_000341.4(SLC3A1):c.620T>G (p.Leu207Ter)

Gene: SLC3A1 (solute carrier family 3 member 1; plus strand). Cytogenetic location: 2p21.
Variant type: single nucleotide variant.
Coding change: c.620T>G on transcript NM_000341.4 (MANE Select); coding-DNA position 620, T replaced by G.
Protein change: p.Leu207Ter; replaces leucine 207 with a stop codon.
Molecular consequence: nonsense.
Genome position (GRCh38, 1-based): chr2:44,281,396, T>G. VCF-style: chr2-44281396-T-G. GRCh37 (hg19) VCF-style: chr2-44508535-T-G.
Other names: short protein forms L207*.
Identifiers: ClinVar variation 2855712 (VCV002855712.3), dbSNP rs2466681808, ClinGen allele CA346689032.
Genomic context (GRCh38, chr2:44,281,396, plus strand): 5'-TTATTCTAATACAATCTTTCCCTAGCATTTGAAATGTCTTTTACTCATTAGGTTTAAAAT[T>G]AATCATCGATTTCATACCAAACCACACGAGTGATAAACATATTTGGTTTCAATTGAGTCG-3'

ClinVar aggregate classification (germline): Pathogenic (1 of 4 stars; one submission).

Conditions:
Cystinuria (CSNU). Also called: CYSTINURIA, TYPE I; CYSTINURIA, TYPE II; CYSTINURIA, TYPE III; Cystinuria, non-type I. Identifiers: Orphanet 214, MedGen C0010691, MONDO:0009067, OMIM 220100, HP:0003131.

Allele frequency attached by ClinVar (database versions not stated): gnomAD exomes below 0.00001.
gnomAD v4.1: 2 of 1,612,612 alleles (0.00012%); highest among the groups gnomAD compares: Non-Finnish European, 0.000085%; no homozygotes.

Submission:

Labcorp Genetics (formerly Invitae), Labcorp
Classification: Pathogenic for Cystinuria. Last evaluated: 2024-10-21. Review status: criteria provided, single submitter. Criteria: Invitae Variant Classification Sherloc (09022015). Collection method: clinical testing. Allele origin: germline.
Comment: This sequence change creates a premature translational stop signal (p.Leu207*) in the SLC3A1 gene. It is expected to result in an absent or disrupted protein product. Loss-of-function variants in SLC3A1 are known to be pathogenic (PMID: 24610330, 25109415, 25964309). This variant is not present in population databases (gnomAD no frequency). This variant has not been reported in the literature in individuals affected with SLC3A1-related conditions. For these reasons, this variant has been classified as Pathogenic.

Literature cited by the submitters: PubMed 24610330; PubMed 25109415; PubMed 25964309.